The following is an entry in ClinVar:

NM_001448.3(GPC4):c.555G>A (p.Glu185=)

Gene: GPC4 (glypican 4; minus strand). Cytogenetic location: Xq26.2.
Variant type: single nucleotide variant.
Coding change: c.555G>A on transcript NM_001448.3 (MANE Select); coding-DNA position 555, G replaced by A.
Protein change: p.Glu185=; no amino-acid change (glutamic acid 185 retained).
Molecular consequence: synonymous variant.
Genome position (GRCh38, 1-based): chrX:133,324,301, C>T on the plus strand (G>A on the coding strand, the complement: GPC4 is on the minus strand). VCF-style: chrX-133324301-C-T. GRCh37 (hg19) VCF-style: chrX-132458329-C-T.
Identifiers: ClinVar variation 3034642 (VCV003034642.2), dbSNP rs147658063, ClinGen allele CA10520502.

ClinVar aggregate classification (germline): Likely benign (0 of 4 stars; one submission).

Conditions:
GPC4-related disorder. Also called: GPC4-related condition.

Allele frequency attached by ClinVar (database versions not stated): gnomAD exomes 0.00007; ExAC 0.00035; 1000 Genomes Project 30x 0.00062; gnomAD 0.00075; 1000 Genomes Project 0.00079; TOPMed 0.00088; ESP Exome Variant Server 0.00142.
gnomAD v4.1: 167 of 1,209,771 alleles (0.014%); highest among the groups gnomAD compares: African/African-American, 0.26%; no homozygotes.

Submission:

PreventionGenetics, part of Exact Sciences
Classification: Likely benign for GPC4-related condition. Last evaluated: 2019-03-26. Review status: no assertion criteria provided. Collection method: clinical testing. Allele origin: germline.
Comment: This variant is classified as likely benign based on ACMG/AMP sequence variant interpretation guidelines (Richards et al. 2015 PMID: 25741868, with internal and published modifications).